The following is an entry in ClinVar:

NM_198578.4(LRRK2):c.5510G>A (p.Gly1837Glu)

Gene: LRRK2 (leucine rich repeat kinase 2; plus strand). Cytogenetic location: 12q12.
Variant type: single nucleotide variant.
Coding change: c.5510G>A on transcript NM_198578.4 (MANE Select); coding-DNA position 5510, G replaced by A.
Protein change: p.Gly1837Glu; replaces glycine 1837 with glutamic acid.
Molecular consequence: missense variant.
Genome position (GRCh38, 1-based): chr12:40,323,160, G>A. VCF-style: chr12-40323160-G-A. GRCh37 (hg19) VCF-style: chr12-40716962-G-A.
Other names: short protein forms G1837E.
Identifiers: ClinVar variation 1748037 (VCV001748037.2), dbSNP rs2499888602, ClinGen allele CA384420945.

ClinVar aggregate classification (germline): Uncertain significance (1 of 4 stars; one submission).

Conditions:
Inborn genetic diseases. Identifiers: MedGen C0950123, MeSH D030342.

Submission:

Ambry Genetics
Classification: Uncertain significance for Inborn genetic diseases. Last evaluated: 2022-08-23. Review status: criteria provided, single submitter. Criteria: Ambry Variant Classification Scheme 2023. Collection method: clinical testing. Allele origin: germline.
Comment: The p.G1837E variant (also known as c.5510G>A) is located in coding exon 38 of the LRRK2 gene. The glycine at codon 1837 is replaced by glutamic acid, an amino acid with similar properties. This change occurs in the first base pair of coding exon 38. This amino acid position is conserved. In addition, the in silico prediction for this alteration is inconclusive. Since supporting evidence is limited at this time, the clinical significance of this alteration remains unclear.